The following is an entry in ClinVar:

ClinVar aggregate classification (germline): Uncertain significance (1 of 4 stars; one submission).

Submission:

Labcorp Genetics (formerly Invitae), Labcorp
Classification: Uncertain significance. Last evaluated: 2021-11-29. Review status: criteria provided, single submitter. Criteria: Invitae Variant Classification Sherloc (09022015). Collection method: clinical testing. Allele origin: germline.
Comment: This sequence change replaces isoleucine, which is neutral and non-polar, with threonine, which is neutral and polar, at codon 534 of the NBAS protein (p.Ile534Thr). This variant is not present in population databases (gnomAD no frequency). This variant has not been reported in the literature in individuals affected with NBAS-related conditions. Algorithms developed to predict the effect of missense changes on protein structure and function (SIFT, PolyPhen-2, Align-GVGD) all suggest that this variant is likely to be disruptive. In summary, the available evidence is currently insufficient to determine the role of this variant in disease. Therefore, it has been classified as a Variant of Uncertain Significance.

NM_015909.4(NBAS):c.1601T>C (p.Ile534Thr)

Gene: NBAS (NBAS subunit of NRZ tethering complex; minus strand). Cytogenetic location: 2p24.3.
Variant type: single nucleotide variant.
Coding change: c.1601T>C on transcript NM_015909.4 (MANE Select); coding-DNA position 1601, T replaced by C.
Protein change: p.Ile534Thr; replaces isoleucine 534 with threonine.
Molecular consequence: missense variant. On other transcripts: non-coding transcript variant (1).
Genome position (GRCh38, 1-based): chr2:15,473,346, A>G on the plus strand (T>C on the coding strand, the complement: NBAS is on the minus strand). VCF-style: chr2-15473346-A-G. GRCh37 (hg19) VCF-style: chr2-15613470-A-G.
Other names: short protein forms I534T.
Identifiers: ClinVar variation 1491656 (VCV001491656.6), dbSNP rs2148583860, ClinGen allele CA345886522.